The following is an entry in ClinVar:

ClinVar aggregate classification (germline): Uncertain significance. Review status: criteria provided, multiple submitters, no conflicts (2 of 4 stars). 2 submissions from 2 submitters: Uncertain significance (2). Last evaluated 2024-05-21.

Conditions:
Inborn genetic diseases. Identifiers: MedGen C0950123, MeSH D030342.

Allele frequency attached by ClinVar (database versions not stated): ExAC 0.00001; TOPMed 0.00001; gnomAD 0.00002.
gnomAD v4.1: 31 of 1,614,082 alleles (0.0019%); highest among the groups gnomAD compares: Admixed American, 0.0033%; no homozygotes.

Submissions (2):

Ambry Genetics
Classification: Uncertain significance for Inborn genetic diseases. Last evaluated: 2024-05-21. Review status: criteria provided, single submitter. Criteria: Ambry Variant Classification Scheme 2023. Collection method: clinical testing. Allele origin: germline.

Labcorp Genetics (formerly Invitae), Labcorp
Classification: Uncertain significance. Last evaluated: 2022-03-20. Review status: criteria provided, single submitter. Criteria: Invitae Variant Classification Sherloc (09022015). Collection method: clinical testing. Allele origin: germline.
Comment: This sequence change replaces arginine, which is basic and polar, with histidine, which is basic and polar, at codon 1301 of the ERCC6 protein (p.Arg1301His). This variant is present in population databases (rs753496156, gnomAD 0.003%). This variant has not been reported in the literature in individuals affected with ERCC6-related conditions. Algorithms developed to predict the effect of missense changes on protein structure and function (SIFT, PolyPhen-2, Align-GVGD) all suggest that this variant is likely to be disruptive. In summary, the available evidence is currently insufficient to determine the role of this variant in disease. Therefore, it has been classified as a Variant of Uncertain Significance.

NM_000124.4(ERCC6):c.3902G>A (p.Arg1301His)

Gene: ERCC6 (ERCC excision repair 6, chromatin remodeling factor; minus strand). Cytogenetic location: 10q11.23.
Variant type: single nucleotide variant.
Coding change: c.3902G>A on transcript NM_000124.4 (MANE Select); coding-DNA position 3902, G replaced by A.
Protein change: p.Arg1301His; replaces arginine 1301 with histidine.
Molecular consequence: missense variant.
Genome position (GRCh38, 1-based): chr10:49,461,433, C>T on the plus strand (G>A on the coding strand, the complement: ERCC6 is on the minus strand). VCF-style: chr10-49461433-C-T. GRCh37 (hg19) VCF-style: chr10-50669479-C-T.
Other names: c.3902G>A, p.Arg1301His (NM_001346440.2); short protein forms R1301H.
Identifiers: ClinVar variation 2142802 (VCV002142802.2), dbSNP rs753496156, ClinGen allele CA5495237.